The following is an entry in ClinVar:

NM_001199107.2(TBC1D24):c.971C>A (p.Ser324Ter)

Gene: TBC1D24 (TBC1 domain family member 24; plus strand). Cytogenetic location: 16p13.3.
Variant type: single nucleotide variant.
Coding change: c.971C>A on transcript NM_001199107.2 (MANE Select); coding-DNA position 971, C replaced by A.
Protein change: p.Ser324Ter; replaces serine 324 with a stop codon.
Molecular consequence: nonsense. On other transcripts: intron variant (1).
Genome position (GRCh38, 1-based): chr16:2,497,715, C>A. VCF-style: chr16-2497715-C-A. GRCh37 (hg19) VCF-style: chr16-2547716-C-A.
Other names: c.966-523C>A (NM_020705.3); short protein forms S324*.
Identifiers: ClinVar variation 620365 (VCV000620365.1), dbSNP rs1567412736, ClinGen allele CA394378311.

ClinVar aggregate classification (germline): Pathogenic (1 of 4 stars; one submission).

Submission:

GeneDx
Classification: Pathogenic. Last evaluated: 2018-09-26. Review status: criteria provided, single submitter. Criteria: GeneDx Variant Classification (06012015). Collection method: clinical testing. Allele origin: germline. Affected: yes.
Comment: The S324X nonsense variant in the TBC1D24 gene is predicted to cause loss of normal protein function either through protein truncation or nonsense-mediated mRNA decay. The S324X variant is not observed in large population cohorts (Lek et al., 2016).